The following is an entry in ClinVar:

ClinVar aggregate classification (germline): Uncertain significance (1 of 4 stars; one submission).

Conditions:
Cardiovascular phenotype. Identifiers: MedGen CN230736.

Allele frequency attached by ClinVar (database versions not stated): gnomAD exomes below 0.00001.
gnomAD v4.1: 1 of 1,207,076 alleles (0.000083%); highest among the groups gnomAD compares: Non-Finnish European, 0.00011%; no homozygotes.

Submission:

Ambry Genetics
Classification: Uncertain significance for Cardiovascular phenotype. Last evaluated: 2022-12-18. Review status: criteria provided, single submitter. Criteria: Ambry Variant Classification Scheme 2023. Collection method: clinical testing. Allele origin: germline.
Comment: The p.S1442F variant (also known as c.4325C>T), located in coding exon 31 of the DMD gene, results from a C to T substitution at nucleotide position 4325. The serine at codon 1442 is replaced by phenylalanine, an amino acid with highly dissimilar properties. This amino acid position is not well conserved in available vertebrate species. In addition, this alteration is predicted to be tolerated by in silico analysis. Since supporting evidence is limited at this time, the clinical significance of this alteration remains unclear.

NM_004006.3(DMD):c.4325C>T (p.Ser1442Phe)

Gene: DMD (dystrophin; minus strand). Cytogenetic location: Xp21.1.
Variant type: single nucleotide variant.
Coding change: c.4325C>T on transcript NM_004006.3 (MANE Select); coding-DNA position 4325, C replaced by T.
Protein change: p.Ser1442Phe; replaces serine 1442 with phenylalanine.
Molecular consequence: missense variant.
Genome position (GRCh38, 1-based): chrX:32,390,090, G>A on the plus strand (C>T on the coding strand, the complement: DMD is on the minus strand). VCF-style: chrX-32390090-G-A. GRCh37 (hg19) VCF-style: chrX-32408207-G-A.
Other names: c.4301C>T, p.Ser1434Phe (NM_000109.4); c.4313C>T, p.Ser1438Phe (NM_004009.3); c.3956C>T, p.Ser1319Phe (NM_004010.3); c.302C>T, p.Ser101Phe (NM_004011.4); c.293C>T, p.Ser98Phe (NM_004012.4); short protein forms S1434F, S1442F, S101F, S1319F, S1438F, S98F.
Identifiers: ClinVar variation 2450343 (VCV002450343.2), dbSNP rs2523132216, ClinGen allele CA412663937.